The following is an entry in ClinVar:

ClinVar aggregate classification (germline): Pathogenic (1 of 4 stars; one submission).

Conditions:
Familial cancer of breast. Also called: hereditary breast carcinoma; BREAST CANCER, FAMILIAL; Hereditary breast cancer. Identifiers: Orphanet 227535, MedGen C0346153, MONDO:0016419, OMIM 114480. Disease mechanism: loss of function.

Submission:

Myriad Genetics, Inc.
Classification: Pathogenic for Familial cancer of breast. Last evaluated: 2024-09-03. Review status: criteria provided, single submitter. Criteria: Myriad Autosomal Dominant, Autosomal Recessive and X-Linked Classification Criteria (2023). Collection method: clinical testing. Allele origin: unknown.
Comment: This variant is considered pathogenic. This variant creates a frameshift predicted to result in premature protein truncation.

NM_000051.4(ATM):c.5795del (p.Phe1932fs)

Genes: ATM (ATM serine/threonine kinase; plus strand), C11orf65 (chromosome 11 open reading frame 65; minus strand). Cytogenetic location: 11q22.3.
Variant type: Deletion.
Coding change: c.5795del on transcript NM_000051.4 (MANE Select); coding-DNA position 5795, one base deleted (T; older notation c.5795delT).
Protein change: p.Phe1932fs; shifts the reading frame from phenylalanine 1932.
Molecular consequence: frameshift variant. On other transcripts: intron variant (2).
Genome position (GRCh38, 1-based): chr11:108,310,192, T deleted; the last of 3 consecutive T bases (chr11:108,310,190-108,310,192); deleting any one gives the same sequence. VCF-style (leftmost placement, unchanged base first): chr11-108310189-CT-C. GRCh37 (hg19) VCF-style: chr11-108180916-CT-C.
Other names: c.5795del, p.Phe1932fs (NM_001351834.2); c.641-1119del (NM_001330368.2); c.*39-1119del (NM_001351110.2); short protein forms F1932fs.
Identifiers: ClinVar variation 3379144 (VCV003379144.1).